The following is an entry in ClinVar:

ClinVar aggregate classification (germline): Uncertain significance (1 of 4 stars; one submission).

Conditions:
DICER1-related tumor predisposition. Also called: DICER1-related pleuropulmonary blastoma cancer predisposition syndrome; DICER1 syndrome. Identifiers: Orphanet 284343, MedGen C3839822, MONDO:0100216.

Submission:

Labcorp Genetics (formerly Invitae), Labcorp
Classification: Uncertain significance for DICER1-related tumor predisposition. Last evaluated: 2024-12-08. Review status: criteria provided, single submitter. Criteria: Invitae Variant Classification Sherloc (09022015). Collection method: clinical testing. Allele origin: germline.
Comment: This sequence change falls in intron 10 of the DICER1 gene. It does not directly change the encoded amino acid sequence of the DICER1 protein. This variant is not present in population databases (gnomAD no frequency). This variant has not been reported in the literature in individuals affected with DICER1-related conditions. Experimental studies and prediction algorithms are not available or were not evaluated, and the effect of this variant on mRNA splicing is currently unknown. In summary, the available evidence is currently insufficient to determine the role of this variant in disease. Therefore, it has been classified as a Variant of Uncertain Significance.

NM_177438.3(DICER1):c.1752+9_1752+23del

Gene: DICER1 (dicer 1, ribonuclease III; minus strand). Cytogenetic location: 14q32.13.
Variant type: Deletion.
Coding change: c.1752+9_1752+23del on transcript NM_177438.3 (MANE Select); bases 9 to 23 of the intron after coding-DNA position 1752, 15 bases deleted (AACATATTAACATGT).
Molecular consequence: intron variant.
Genome position (GRCh38, 1-based): chr14:95,116,430-95,116,444, ACATGTTAATATGTT deleted on the plus strand (AACATATTAACATGT on the coding strand, the reverse complement: DICER1 is on the minus strand). VCF-style (leftmost placement, unchanged base first): chr14-95116429-CACATGTTAATATGTT-C. GRCh37 (hg19) VCF-style: chr14-95582766-CACATGTTAATATGTT-C.
Other names: c.1752+9_1752+23del (NM_001291628.2, NM_030621.4, NM_001395677.1 and 12 more transcripts); c.1347+9_1347+23del (NM_001395690.1, NM_001395687.1, NM_001395689.1 and 3 more transcripts); c.1470+9_1470+23del (NM_001395686.1); c.1185+9_1185+23del (NM_001395691.1); c.69+9_69+23del (NM_001395697.1).
Identifiers: ClinVar variation 3726839 (VCV003726839.2).